The following is an entry in ClinVar:

NM_032199.3(ARID5B):c.3284T>A (p.Leu1095His)

Gene: ARID5B (AT-rich interaction domain 5B; plus strand). Cytogenetic location: 10q21.2.
Variant type: single nucleotide variant.
Coding change: c.3284T>A on transcript NM_032199.3 (MANE Select); coding-DNA position 3284, T replaced by A.
Protein change: p.Leu1095His; replaces leucine 1095 with histidine.
Molecular consequence: missense variant.
Genome position (GRCh38, 1-based): chr10:62,092,747, T>A. VCF-style: chr10-62092747-T-A. GRCh37 (hg19) VCF-style: chr10-63852506-T-A.
Other names: c.2555T>A, p.Leu852His (NM_001244638.2); short protein forms L1095H, L852H.
Identifiers: ClinVar variation 3344357 (VCV003344357.1).

ClinVar aggregate classification (germline): Uncertain significance (0 of 4 stars; one submission).

Conditions:
ARID5B-related disorder. Also called: ARID5B-related condition.

Submission:

PreventionGenetics, part of Exact Sciences
Classification: Uncertain significance for ARID5B-related condition. Last evaluated: 2024-08-14. Review status: no assertion criteria provided. Collection method: clinical testing. Allele origin: germline.
Comment: The ARID5B c.3284T>A variant is predicted to result in the amino acid substitution p.Leu1095His. To our knowledge, this variant has not been reported in the literature or in a large population database, indicating this variant is rare. At this time, the clinical significance of this variant is uncertain due to the absence of conclusive functional and genetic evidence.